The following is an entry in ClinVar:

ClinVar aggregate classification (germline): Likely benign. Review status: criteria provided, multiple submitters, no conflicts (2 of 4 stars). 3 submissions from 3 submitters: Likely benign (3). Last evaluated 2025-05-12.

Conditions:
PIEZO1-related disorder. Also called: PIEZO1-Related Disorders; PIEZO1-related condition.

Allele frequency attached by ClinVar (database versions not stated): gnomAD exomes 0.00002; TOPMed 0.00005; 1000 Genomes Project 0.00020.

Submissions (3):

ARUP Laboratories, Molecular Genetics and Genomics, ARUP Laboratories
Classification: Likely benign. Last evaluated: 2025-05-12. Review status: criteria provided, single submitter. Criteria: ARUP Molecular Germline Variant Investigation Process 2024. Collection method: clinical testing. Allele origin: germline.

PreventionGenetics, part of Exact Sciences
Classification: Likely benign for PIEZO1-related condition. Last evaluated: 2025-02-06. Review status: criteria provided, single submitter. Criteria: ACMG Guidelines, 2015. Collection method: clinical testing. Allele origin: germline.
Comment: This variant is classified as likely benign based on ACMG/AMP sequence variant interpretation guidelines (Richards et al. 2015 PMID: 25741868, with internal and published modifications).

Labcorp Genetics (formerly Invitae), Labcorp
Classification: Likely benign. Last evaluated: 2024-01-29. Review status: criteria provided, single submitter. Criteria: Invitae Variant Classification Sherloc (09022015). Collection method: clinical testing. Allele origin: germline.

NM_001142864.4(PIEZO1):c.1299A>G (p.Val433=)

Genes: PIEZO1 (piezo type mechanosensitive ion channel component 1 (Er blood group); minus strand), HSALR1 (HSP90AB1 associated lncRNA 1; plus strand). Cytogenetic location: 16q24.3.
Variant type: single nucleotide variant.
Coding change: c.1299A>G on transcript NM_001142864.4 (MANE Select); coding-DNA position 1299, A replaced by G.
Protein change: p.Val433=; no amino-acid change (valine 433 retained).
Molecular consequence: synonymous variant.
Genome position (GRCh38, 1-based): chr16:88,736,406, T>C on the plus strand (A>G on the coding strand, the complement: PIEZO1 is on the minus strand). VCF-style: chr16-88736406-T-C. GRCh37 (hg19) VCF-style: chr16-88802814-T-C.
Other names: c.1299A>G (NM_001142864.3).
Identifiers: ClinVar variation 2890215 (VCV002890215.5), dbSNP rs117073481, ClinGen allele CA286432888.